The following is an entry in ClinVar:

ClinVar aggregate classification (germline): Conflicting classifications of pathogenicity. Review status: criteria provided, conflicting classifications (1 of 4 stars). 2 submissions from 2 submitters: Uncertain significance (1); Likely benign (1). Last evaluated 2025-05-02.

Conditions:
Hereditary cancer-predisposing syndrome. Also called: Tumor predisposition; Hereditary Cancer Syndrome; Neoplastic Syndromes, Hereditary; Hereditary neoplastic syndrome. Identifiers: Orphanet 140162, MedGen C0027672, MeSH D009386, MONDO:0015356.

Submissions (2):

Ambry Genetics
Classification: Uncertain significance for Hereditary cancer-predisposing syndrome. Last evaluated: 2025-05-02. Review status: criteria provided, single submitter. Criteria: Ambry Variant Classification Scheme 2023. Collection method: clinical testing. Allele origin: germline.
Comment: The p.I873V variant (also known as c.2617A>G), located in coding exon 10 of the BRCA2 gene, results from an A to G substitution at nucleotide position 2617. The isoleucine at codon 873 is replaced by valine, an amino acid with highly similar properties. This amino acid position is not well conserved in available vertebrate species. In addition, this alteration is predicted to be tolerated by in silico analysis. Since supporting evidence is limited at this time, the clinical significance of this alteration remains unclear.

University of Washington Department of Laboratory Medicine, University of Washington
Classification: Likely benign for Hereditary cancer-predisposing syndrome. Last evaluated: 2023-03-23. Review status: criteria provided, single submitter. Criteria: Dines et al. (Genet Med. 2020). Collection method: curation. Allele origin: germline.
Comment: Missense variant in a coldspot region where missense variants are very unlikely to be pathogenic (PMID:31911673).

BRCA2 exon 11 coldspot. Reclassification based on statistical prior probability.

NM_000059.4(BRCA2):c.2617A>G (p.Ile873Val)

Gene: BRCA2 (BRCA2 DNA repair associated; plus strand). Cytogenetic location: 13q13.1.
Variant type: single nucleotide variant.
Coding change: c.2617A>G on transcript NM_000059.4 (MANE Select); coding-DNA position 2617, A replaced by G.
Protein change: p.Ile873Val; replaces isoleucine 873 with valine.
Molecular consequence: missense variant.
Genome position (GRCh38, 1-based): chr13:32,336,972, A>G. VCF-style: chr13-32336972-A-G. GRCh37 (hg19) VCF-style: chr13-32911109-A-G.
Other names: c.2617A>G, p.Ile873Val (NM_001406719.1, NM_001406720.1); short protein forms I873V.
Identifiers: ClinVar variation 1793869 (VCV001793869.5), dbSNP rs2072461250, ClinGen allele CA387773182.